The following is an entry in ClinVar:

ClinVar aggregate classification (germline): Uncertain significance (1 of 4 stars; one submission).

gnomAD v4.1: 13 of 1,609,878 alleles (0.00081%); highest among the groups gnomAD compares: Admixed American, 0.01%; no homozygotes.

Submission:

Labcorp Genetics (formerly Invitae), Labcorp
Classification: Uncertain significance. Last evaluated: 2024-06-24. Review status: criteria provided, single submitter. Criteria: Invitae Variant Classification Sherloc (09022015). Collection method: clinical testing. Allele origin: germline.
Comment: This sequence change replaces arginine, which is basic and polar, with glutamine, which is neutral and polar, at codon 326 of the CARMIL2 protein (p.Arg326Gln). This variant is present in population databases (rs779459264, gnomAD 0.02%). This variant has not been reported in the literature in individuals affected with CARMIL2-related conditions. Advanced modeling of protein sequence and biophysical properties (such as structural, functional, and spatial information, amino acid conservation, physicochemical variation, residue mobility, and thermodynamic stability) performed at Invitae indicates that this missense variant is not expected to disrupt CARMIL2 protein function with a negative predictive value of 80%. In summary, the available evidence is currently insufficient to determine the role of this variant in disease. Therefore, it has been classified as a Variant of Uncertain Significance.

NM_001013838.3(CARMIL2):c.977G>A (p.Arg326Gln)

Gene: CARMIL2 (capping protein regulator and myosin 1 linker 2; plus strand). Cytogenetic location: 16q22.1.
Variant type: single nucleotide variant.
Coding change: c.977G>A on transcript NM_001013838.3 (MANE Select); coding-DNA position 977, G replaced by A.
Protein change: p.Arg326Gln; replaces arginine 326 with glutamine.
Molecular consequence: missense variant.
Genome position (GRCh38, 1-based): chr16:67,647,864, G>A. VCF-style: chr16-67647864-G-A. GRCh37 (hg19) VCF-style: chr16-67681767-G-A.
Other names: c.977G>A, p.Arg326Gln (NM_001317026.3); short protein forms R326Q.
Identifiers: ClinVar variation 3709851 (VCV003709851.2).
Genomic context (GRCh38, chr16:67,647,864, plus strand): 5'-GGGGGTCTGTCCAACTGCTGAGTGACCCCGACCCACCACCAGGAATGAGGGCTCTGGGCC[G>A]GGCACTGGCCACCAATGCCGCCTTCGACTCCACCCTGACCCACCTGGACCTTTCTGGGAA-3'
Protein context (NP_001013860.1, residues 316-336): LTPRGMRALG[Arg326Gln]ALATNAAFDS